The following is an entry in ClinVar:

NM_020820.4(PREX1):c.2630G>A (p.Arg877His)

Gene: PREX1 (phosphatidylinositol-3,4,5-trisphosphate dependent Rac exchange factor 1; minus strand). Cytogenetic location: 20q13.13.
Variant type: single nucleotide variant.
Coding change: c.2630G>A on transcript NM_020820.4 (MANE Select); coding-DNA position 2630, G replaced by A.
Protein change: p.Arg877His; replaces arginine 877 with histidine.
Molecular consequence: missense variant.
Genome position (GRCh38, 1-based): chr20:48,651,421, C>T on the plus strand (G>A on the coding strand, the complement: PREX1 is on the minus strand). VCF-style: chr20-48651421-C-T. GRCh37 (hg19) VCF-style: chr20-47267959-C-T.
Other names: short protein forms R877H.
Identifiers: ClinVar variation 3035974 (VCV003035974.2), dbSNP rs761435089, ClinGen allele CA9897175.
Genomic context (GRCh38, chr20:48,651,421, plus strand): 5'-AGGGTAGGGCAGGGCCAGGCAGTGCCCAAGGAGACCTTGGCGGTGAGGCCGAAGCAGCCG[C>T]GGGGCTCCACGATCTTCTCCAGCACATGGCACCTGACGCCTGCCGTGCTCACATACTCAT-3'
Protein context (NP_065871.3, residues 867-887): CHVLEKIVEP[Arg877His]GCFGLTAKIL

ClinVar aggregate classification (germline): Likely benign (0 of 4 stars; one submission).

Conditions:
PREX1-related disorder. Also called: PREX1-related condition.

Allele frequency attached by ClinVar (database versions not stated): gnomAD 0.00003; TOPMed 0.00005; ExAC 0.00015.
gnomAD v4.1: 38 of 1,609,944 alleles (0.0024%); highest among the groups gnomAD compares: East Asian, 0.063%; no homozygotes.

Submission:

PreventionGenetics, part of Exact Sciences
Classification: Likely benign for PREX1-related condition. Last evaluated: 2022-04-15. Review status: no assertion criteria provided. Collection method: clinical testing. Allele origin: germline.
Comment: This variant is classified as likely benign based on ACMG/AMP sequence variant interpretation guidelines (Richards et al. 2015 PMID: 25741868, with internal and published modifications).